The following is an entry in ClinVar:

ClinVar aggregate classification (germline): Likely benign (0 of 4 stars; one submission).

Conditions:
ADAM10-related disorder. Also called: ADAM10-related condition.

Allele frequency attached by ClinVar (database versions not stated): gnomAD 0.00001; TOPMed 0.00001; ExAC 0.00003; ESP Exome Variant Server 0.00008.
gnomAD v4.1: 9 of 1,613,898 alleles (0.00056%); highest among the groups gnomAD compares: African/African-American, 0.0013%; no homozygotes.

Submission:

PreventionGenetics, part of Exact Sciences
Classification: Likely benign for ADAM10-related condition. Last evaluated: 2019-05-02. Review status: no assertion criteria provided. Collection method: clinical testing. Allele origin: germline.
Comment: This variant is classified as likely benign based on ACMG/AMP sequence variant interpretation guidelines (Richards et al. 2015 PMID: 25741868, with internal and published modifications).

NM_001110.4(ADAM10):c.156A>G (p.Ala52=)

Gene: ADAM10 (ADAM metallopeptidase domain 10; minus strand). Cytogenetic location: 15q21.3.
Variant type: single nucleotide variant.
Coding change: c.156A>G on transcript NM_001110.4 (MANE Select); coding-DNA position 156, A replaced by G.
Protein change: p.Ala52=; no amino-acid change (alanine 52 retained).
Molecular consequence: synonymous variant.
Genome position (GRCh38, 1-based): chr15:58,717,627, T>C on the plus strand (A>G on the coding strand, the complement: ADAM10 is on the minus strand). VCF-style: chr15-58717627-T-C. GRCh37 (hg19) VCF-style: chr15-59009826-T-C.
Other names: c.156A>G, p.Ala52= (NM_001320570.2).
Identifiers: ClinVar variation 3038055 (VCV003038055.2), dbSNP rs374249563, ClinGen allele CA7586208.